The following is an entry in ClinVar:

NM_001231.5(CASQ1):c.754A>G (p.Ile252Val)

Gene: CASQ1 (calsequestrin 1; plus strand). Cytogenetic location: 1q23.2.
Variant type: single nucleotide variant.
Coding change: c.754A>G on transcript NM_001231.5 (MANE Select); coding-DNA position 754, A replaced by G.
Protein change: p.Ile252Val; replaces isoleucine 252 with valine.
Molecular consequence: missense variant.
Genome position (GRCh38, 1-based): chr1:160,195,999, A>G. VCF-style: chr1-160195999-A-G. GRCh37 (hg19) VCF-style: chr1-160165789-A-G.
Other names: short protein forms I252V.
Identifiers: ClinVar variation 1506032 (VCV001506032.6), dbSNP rs2101675309, ClinGen allele CA343258694.

ClinVar aggregate classification (germline): Uncertain significance (1 of 4 stars; one submission).

Allele frequency attached by ClinVar (database versions not stated): gnomAD exomes below 0.00001.
gnomAD v4.1: 1 of 1,613,890 alleles (0.000062%); highest among the groups gnomAD compares: Admixed American, 0.0017%; no homozygotes.

Submission:

Labcorp Genetics (formerly Invitae), Labcorp
Classification: Uncertain significance. Last evaluated: 2022-07-19. Review status: criteria provided, single submitter. Criteria: Invitae Variant Classification Sherloc (09022015). Collection method: clinical testing. Allele origin: germline.
Comment: In summary, the available evidence is currently insufficient to determine the role of this variant in disease. Therefore, it has been classified as a Variant of Uncertain Significance. Algorithms developed to predict the effect of missense changes on protein structure and function are either unavailable or do not agree on the potential impact of this missense change (SIFT: "Tolerated"; PolyPhen-2: "Possibly Damaging"; Align-GVGD: "Class C0"). ClinVar contains an entry for this variant (Variation ID: 1506032). This variant has not been reported in the literature in individuals affected with CASQ1-related conditions. This variant is not present in population databases (gnomAD no frequency). This sequence change replaces isoleucine, which is neutral and non-polar, with valine, which is neutral and non-polar, at codon 252 of the CASQ1 protein (p.Ile252Val).